The following is an entry in ClinVar:

NM_005157.6(ABL1):c.2225C>G (p.Ser742Cys)

Gene: ABL1 (ABL proto-oncogene 1, non-receptor tyrosine kinase; plus strand). Cytogenetic location: 9q34.12.
Variant type: single nucleotide variant.
Coding change: c.2225C>G on transcript NM_005157.6 (MANE Select); coding-DNA position 2225, C replaced by G.
Protein change: p.Ser742Cys; replaces serine 742 with cysteine.
Molecular consequence: missense variant.
Genome position (GRCh38, 1-based): chr9:130,884,515, C>G. VCF-style: chr9-130884515-C-G. GRCh37 (hg19) VCF-style: chr9-133759902-C-G.
Other names: c.2282C>G, p.Ser761Cys (NM_007313.3); short protein forms S742C, S761C.
Identifiers: ClinVar variation 4881490 (VCV004881490.2).

ClinVar aggregate classification (germline): Uncertain significance (1 of 4 stars; one submission).

gnomAD v4.1: 2 of 1,613,218 alleles (0.00012%); highest among the groups gnomAD compares: Non-Finnish European, 0.00017%; no homozygotes.

Submission:

Dasa
Classification: Uncertain significance. Last evaluated: 2025-09-21. Review status: criteria provided, single submitter. Criteria: DASA Assertion Criteria. Collection method: clinical testing. Allele origin: germline.
Comment: NM_005157.6(ABL1):c.2225C>G (p.Ser742Cys) is a missense variant that results in the substitution of serine with cysteine. This variant is rare in population databases. The currently available literature and clinical evidence are not sufficient to establish a definitive association between this variant and the reported condition. Therefore, this variant is classified as a variant of uncertain significance.